The following is an entry in ClinVar:

NM_004360.5(CDH1):c.164T>A (p.Val55Glu)

Gene: CDH1 (cadherin 1; plus strand). Cytogenetic location: 16q22.1.
Variant type: single nucleotide variant.
Coding change: c.164T>A on transcript NM_004360.5 (MANE Select); coding-DNA position 164, T replaced by A.
Protein change: p.Val55Glu; replaces valine 55 with glutamic acid.
Molecular consequence: missense variant. On other transcripts: 5 prime UTR variant (2).
Genome position (GRCh38, 1-based): chr16:68,801,670, T>A. VCF-style: chr16-68801670-T-A. GRCh37 (hg19) VCF-style: chr16-68835573-T-A.
Other names: c.164T>A, p.Val55Glu (NM_001317184.2); c.-1452T>A (NM_001317185.2); c.-1656T>A (NM_001317186.2); short protein forms V55E.
Identifiers: ClinVar variation 4749608 (VCV004749608.1).

ClinVar aggregate classification (germline): Uncertain significance (1 of 4 stars; one submission).

Conditions:
Hereditary diffuse gastric adenocarcinoma (HDGC). Also called: DIFFUSE GASTRIC AND LOBULAR BREAST CANCER SYNDROME. Identifiers: Orphanet 26106, MedGen C1708349, MONDO:0007648, OMIM 137215.

Submission:

Labcorp Genetics (formerly Invitae), Labcorp
Classification: Uncertain significance for Hereditary diffuse gastric adenocarcinoma. Last evaluated: 2025-02-27. Review status: criteria provided, single submitter. Criteria: Invitae Variant Classification Sherloc (09022015). Collection method: clinical testing. Allele origin: germline.
Comment: This sequence change replaces valine, which is neutral and non-polar, with glutamic acid, which is acidic and polar, at codon 55 of the CDH1 protein (p.Val55Glu). This variant is not present in population databases (gnomAD no frequency). This variant has not been reported in the literature in individuals affected with CDH1-related conditions. An algorithm developed to predict the effect of missense changes on protein structure and function (PolyPhen-2) suggests that this variant is likely to be disruptive. In summary, the available evidence is currently insufficient to determine the role of this variant in disease. Therefore, it has been classified as a Variant of Uncertain Significance.